The following is an entry in ClinVar:

NM_000064.4(C3):c.1531G>A (p.Gly511Ser)

Gene: C3 (complement C3; minus strand). Cytogenetic location: 19p13.3.
Variant type: single nucleotide variant.
Coding change: c.1531G>A on transcript NM_000064.4 (MANE Select); coding-DNA position 1531, G replaced by A.
Protein change: p.Gly511Ser; replaces glycine 511 with serine.
Molecular consequence: missense variant.
Genome position (GRCh38, 1-based): chr19:6,710,794, C>T on the plus strand (G>A on the coding strand, the complement: C3 is on the minus strand). VCF-style: chr19-6710794-C-T. GRCh37 (hg19) VCF-style: chr19-6710805-C-T.
Other names: c.1531G>A (NM_000064.3); short protein forms G511S.
Identifiers: ClinVar variation 3017844 (VCV003017844.5), dbSNP rs780759679, ClinGen allele CA9129412.

ClinVar aggregate classification (germline): Uncertain significance. Review status: criteria provided, multiple submitters, no conflicts (2 of 4 stars). 3 submissions from 3 submitters: Uncertain significance (3). Last evaluated 2026-02-18.

Conditions:
C3-related disorder. Also called: C3-related condition.

gnomAD v4.1: 5 of 1,613,950 alleles (0.00031%); highest among the groups gnomAD compares: African/African-American, 0.0013%; no homozygotes.

Submissions (3):

PreventionGenetics, part of Exact Sciences
Classification: Uncertain significance for C3-related condition. Last evaluated: 2026-02-18. Review status: criteria provided, single submitter. Criteria: ACMG Guidelines, 2015. Collection method: clinical testing. Allele origin: germline.
Comment: The C3 c.1531G>A variant is predicted to result in the amino acid substitution p.Gly511Ser. To our knowledge, this variant has not been reported in the literature. This variant is reported in 0.00088% of alleles in individuals of European (Non-Finnish) descent in gnomAD. At this time, the clinical significance of this variant is uncertain due to the absence of conclusive functional and genetic evidence.

Blueprint Genetics
Classification: Uncertain significance. Last evaluated: 2024-09-02. Review status: criteria provided, single submitter. Criteria: ACMG Guidelines, 2015. Collection method: clinical testing. Allele origin: germline.

Labcorp Genetics (formerly Invitae), Labcorp
Classification: Uncertain significance. Last evaluated: 2024-01-22. Review status: criteria provided, single submitter. Criteria: Invitae Variant Classification Sherloc (09022015). Collection method: clinical testing. Allele origin: germline.
Comment: This sequence change replaces glycine, which is neutral and non-polar, with serine, which is neutral and polar, at codon 511 of the C3 protein (p.Gly511Ser). This variant is present in population databases (rs780759679, gnomAD 0.0009%). This variant has not been reported in the literature in individuals affected with C3-related conditions. Advanced modeling of protein sequence and biophysical properties (such as structural, functional, and spatial information, amino acid conservation, physicochemical variation, residue mobility, and thermodynamic stability) performed at Invitae indicates that this missense variant is not expected to disrupt C3 protein function with a negative predictive value of 80%. In summary, the available evidence is currently insufficient to determine the role of this variant in disease. Therefore, it has been classified as a Variant of Uncertain Significance.